The following is an entry in ClinVar:

ClinVar aggregate classification (germline): Conflicting classifications of pathogenicity. Review status: criteria provided, conflicting classifications (1 of 4 stars). 4 submissions from 4 submitters: Uncertain significance (3); Likely benign (1). Last evaluated 2025-10-30.

Conditions:
Cardiovascular phenotype. Identifiers: MedGen CN230736.
Ehlers-Danlos syndrome (EDS). Identifiers: Orphanet 98249, MedGen C0013720, MONDO:0020066.

Allele frequency attached by ClinVar (database versions not stated): gnomAD 0.00003 and 0.00004.
gnomAD v4.1: 47 of 1,549,234 alleles (0.003%); highest among the groups gnomAD compares: Non-Finnish European, 0.0038%; no homozygotes.

Submissions (4):

Women's Health and Genetics/Laboratory Corporation of America, LabCorp
Classification: Uncertain significance. Last evaluated: 2025-10-30. Review status: criteria provided, single submitter. Criteria: LabCorp Variant Classification Summary - May 2015. Collection method: clinical testing. Allele origin: germline.
Comment: Variant summary: TNXB c.2312C>G (p.Pro771Arg) results in a non-conservative amino acid change in the encoded protein sequence. Algorithms developed to predict the effect of missense changes on protein structure and function are either unavailable or do not agree on the potential impact of this missense change. The variant allele was found at a frequency of 1.3e-05 in 157256 control chromosomes. The available data on variant occurrences in the general population are insufficient to allow any conclusion about variant significance. To our knowledge, no occurrence of c.2312C>G in individuals affected with TNXB-related conditions and no experimental evidence demonstrating its impact on protein function have been reported. ClinVar contains an entry for this variant (Variation ID: 1702321). Based on the evidence outlined above, the variant was classified as uncertain significance.

GeneDx
Classification: Uncertain significance. Last evaluated: 2024-09-03. Review status: criteria provided, single submitter. Criteria: GeneDx Variant Classification Process June 2021. Collection method: clinical testing. Allele origin: germline. Affected: yes.
Comment: Has not been previously published as pathogenic or benign to our knowledge; Not observed at significant frequency in large population cohorts (gnomAD); In silico analysis indicates that this missense variant does not alter protein structure/function

Ambry Genetics
Classification: Likely benign for Cardiovascular phenotype. Last evaluated: 2022-07-27. Review status: criteria provided, single submitter. Criteria: Ambry Variant Classification Scheme 2023. Collection method: clinical testing. Allele origin: germline.

Genome Diagnostics Laboratory, The Hospital for Sick Children
Classification: Uncertain significance for Ehlers-Danlos syndrome. Last evaluated: 2021-02-02. Review status: criteria provided, single submitter. Criteria: ACMG Guidelines, 2015. Collection method: clinical testing. Allele origin: germline.

NM_001365276.2(TNXB):c.2312C>G (p.Pro771Arg)

Gene: TNXB (tenascin XB; minus strand). Cytogenetic location: 6p21.33.
Variant type: single nucleotide variant.
Coding change: c.2312C>G on transcript NM_001365276.2 (MANE Select); coding-DNA position 2312, C replaced by G.
Protein change: p.Pro771Arg; replaces proline 771 with arginine.
Molecular consequence: missense variant.
Genome position (GRCh38, 1-based): chr6:32,095,122, G>C on the plus strand (C>G on the coding strand, the complement: TNXB is on the minus strand). VCF-style: chr6-32095122-G-C. GRCh37 (hg19) VCF-style: chr6-32062899-G-C.
Other names: c.2312C>G, p.Pro771Arg (NM_019105.8); short protein forms P771R.
Identifiers: ClinVar variation 1702321 (VCV001702321.7), dbSNP rs199705832, ClinGen allele CA363469947.
Genomic context (GRCh38, chr6:32,095,122, plus strand): 5'-GGCATCTCTCTCACCGTGGGGATGAACTGAATTTCATAGGCATCCACGGGGCCAGGAGCC[G>C]GGGTCCACTCTGTCCGAACTGTTGTCTCCTCCAAGAGATGCATCCTCATGCCCTCAATGG-3'
Protein context (NP_001352205.1, residues 761-781): EETTVRTEWT[Pro771Arg]APGPVDAYEI